The following is an entry in ClinVar:

ClinVar aggregate classification (germline): Uncertain significance (1 of 4 stars; one submission).

Submission:

Women's Health and Genetics/Laboratory Corporation of America, LabCorp
Classification: Uncertain significance. Last evaluated: 2025-11-11. Review status: criteria provided, single submitter. Criteria: LabCorp Variant Classification Summary - May 2015. Collection method: clinical testing. Allele origin: germline.
Comment: Variant summary: ATRX c.1919T>C (p.Val640Ala) results in a non-conservative amino acid change in the encoded protein sequence. Algorithms developed to predict the effect of missense changes on protein structure and function are either unavailable or do not agree on the potential impact of this missense change. The variant was absent in 182910 control chromosomes. The available data on variant occurrences in the general population are insufficient to allow any conclusion about variant significance. To our knowledge, no occurrence of c.1919T>C in individuals affected with ATRX-related conditions and no experimental evidence demonstrating its impact on protein function have been reported. No submitters have cited clinical-significance assessments for this variant to ClinVar. Based on the evidence outlined above, the variant was classified as uncertain significance.

NM_000489.6(ATRX):c.1919T>C (p.Val640Ala)

Gene: ATRX (ATRX chromatin remodeler; minus strand). Cytogenetic location: Xq21.1.
Variant type: single nucleotide variant.
Coding change: c.1919T>C on transcript NM_000489.6 (MANE Select); coding-DNA position 1919, T replaced by C.
Protein change: p.Val640Ala; replaces valine 640 with alanine.
Molecular consequence: missense variant.
Genome position (GRCh38, 1-based): chrX:77,683,337, A>G on the plus strand (T>C on the coding strand, the complement: ATRX is on the minus strand). VCF-style: chrX-77683337-A-G. GRCh37 (hg19) VCF-style: chrX-76938829-A-G.
Other names: c.1805T>C, p.Val602Ala (NM_138270.5); short protein forms V602A, V640A.
Identifiers: ClinVar variation 4536849 (VCV004536849.1).
Genomic context (GRCh38, chrX:77,683,337, plus strand): 5'-TTTACACGTGGGGATCTTCGAAGATCAGATTCCTCTAAAAGTAATGAAACTTCATTTTCA[A>G]CCAAATGCTCATTATCACTGTTTTCCTGTCCAAGTCCACATTTCTCTAACTTGGGGTTCA-3'
Protein context (NP_000480.3, residues 630-650): GQENSDNEHL[Val640Ala]ENEVSLLLEE